The following is an entry in ClinVar:

ClinVar aggregate classification (germline): Uncertain significance (1 of 4 stars; one submission).

gnomAD v4.1: 3 of 1,613,850 alleles (0.00019%); highest among the groups gnomAD compares: Non-Finnish European, 0.00025%; no homozygotes.

Submission:

GeneDx
Classification: Uncertain significance. Last evaluated: 2023-07-03. Review status: criteria provided, single submitter. Criteria: GeneDx Variant Classification Process June 2021. Collection method: clinical testing. Allele origin: germline. Affected: yes.
Comment: Not observed at significant frequency in large population cohorts (gnomAD); In silico analysis supports that this missense variant does not alter protein structure/function; Has not been previously published as pathogenic or benign to our knowledge

NM_006947.4(SRP72):c.1960G>C (p.Ala654Pro)

Gene: SRP72 (signal recognition particle 72; plus strand). Cytogenetic location: 4q12.
Variant type: single nucleotide variant.
Coding change: c.1960G>C on transcript NM_006947.4 (MANE Select); coding-DNA position 1960, G replaced by C.
Protein change: p.Ala654Pro; replaces alanine 654 with proline.
Molecular consequence: missense variant. On other transcripts: non-coding transcript variant (1).
Genome position (GRCh38, 1-based): chr4:56,501,805, G>C. VCF-style: chr4-56501805-G-C. GRCh37 (hg19) VCF-style: chr4-57367971-G-C.
Other names: c.1777G>C, p.Ala593Pro (NM_001267722.2); short protein forms A593P, A654P.
Identifiers: ClinVar variation 3360482 (VCV003360482.1).